The following is an entry in ClinVar:

ClinVar aggregate classification (germline): Uncertain significance (1 of 4 stars; one submission).

Submission:

Labcorp Genetics (formerly Invitae), Labcorp
Classification: Uncertain significance. Last evaluated: 2019-12-13. Review status: criteria provided, single submitter. Criteria: Invitae Variant Classification Sherloc (09022015). Collection method: clinical testing. Allele origin: germline.
Comment: This sequence change replaces tyrosine with serine at codon 846 of the MSH3 protein (p.Tyr846Ser). The tyrosine residue is highly conserved and there is a large physicochemical difference between tyrosine and serine. This variant is not present in population databases (ExAC no frequency). This variant has not been reported in the literature in individuals with MSH3-related conditions. Algorithms developed to predict the effect of missense changes on protein structure and function are either unavailable or do not agree on the potential impact of this missense change (SIFT: "Deleterious"; PolyPhen-2: "Probably Damaging"; Align-GVGD: "Class C0"). In summary, the available evidence is currently insufficient to determine the role of this variant in disease. Therefore, it has been classified as a Variant of Uncertain Significance.

NM_002439.5(MSH3):c.2537A>C (p.Tyr846Ser)

Gene: MSH3 (mutS homolog 3; plus strand). Cytogenetic location: 5q14.1.
Variant type: single nucleotide variant.
Coding change: c.2537A>C on transcript NM_002439.5 (MANE Select); coding-DNA position 2537, A replaced by C.
Protein change: p.Tyr846Ser; replaces tyrosine 846 with serine.
Molecular consequence: missense variant.
Genome position (GRCh38, 1-based): chr5:80,787,666, A>C. VCF-style: chr5-80787666-A-C. GRCh37 (hg19) VCF-style: chr5-80083485-A-C.
Other names: short protein forms Y846S.
Identifiers: ClinVar variation 835628 (VCV000835628.1), dbSNP rs1744533587, ClinGen allele CA360283443.
Genomic context (GRCh38, chr5:80,787,666, plus strand): 5'-ATCACCTAGCAACTGTTGACTGCATTTTCTCCCTGGCCAAGGTCGCTAAGCAAGGAGATT[A>C]CTGCAGGTAAGATATTTTTCATTTTCCTCTTTATCAGTGCTTTAGATAAGATGACATTAT-3'
Protein context (NP_002430.3, residues 836-856): SLAKVAKQGD[Tyr846Ser]CRPTVQEERK